The following is an entry in ClinVar:

NM_004859.4(CLTC):c.4222A>G (p.Ile1408Val)

Genes: CLTC (clathrin heavy chain; plus strand), LOC126862609 (CDK7 strongly-dependent group 2 enhancer GRCh37_chr17:57760547-57761746; plus strand). Cytogenetic location: 17q23.1.
Variant type: single nucleotide variant.
Coding change: c.4222A>G on transcript NM_004859.4 (MANE Select); coding-DNA position 4222, A replaced by G.
Protein change: p.Ile1408Val; replaces isoleucine 1408 with valine.
Molecular consequence: missense variant.
Genome position (GRCh38, 1-based): chr17:59,683,655, A>G. VCF-style: chr17-59683655-A-G. GRCh37 (hg19) VCF-style: chr17-57761016-A-G.
Other names: c.4234A>G, p.Ile1412Val (NM_001288653.2); short protein forms I1408V, I1412V.
Identifiers: ClinVar variation 3607089 (VCV003607089.2).

ClinVar aggregate classification (germline): Uncertain significance (1 of 4 stars; one submission).

gnomAD v4.1: 2 of 1,614,212 alleles (0.00012%); highest among the groups gnomAD compares: Non-Finnish European, 0.00017%; no homozygotes.

Submission:

Labcorp Genetics (formerly Invitae), Labcorp
Classification: Uncertain significance. Last evaluated: 2024-12-23. Review status: criteria provided, single submitter. Criteria: Invitae Variant Classification Sherloc (09022015). Collection method: clinical testing. Allele origin: germline.
Comment: This sequence change replaces isoleucine, which is neutral and non-polar, with valine, which is neutral and non-polar, at codon 1412 of the CLTC protein (p.Ile1412Val). This variant is not present in population databases (gnomAD no frequency). This variant has not been reported in the literature in individuals affected with CLTC-related conditions. Invitae Evidence Modeling of protein sequence and biophysical properties (such as structural, functional, and spatial information, amino acid conservation, physicochemical variation, residue mobility, and thermodynamic stability) indicates that this missense variant is not expected to disrupt CLTC protein function with a negative predictive value of 80%. In summary, the available evidence is currently insufficient to determine the role of this variant in disease. Therefore, it has been classified as a Variant of Uncertain Significance.